The following is an entry in ClinVar:

ClinVar aggregate classification (germline): Likely pathogenic (1 of 4 stars; one submission).

Allele frequency attached by ClinVar (database versions not stated): gnomAD exomes 0.00001.

Submission:

GeneDx
Classification: Likely pathogenic. Last evaluated: 2014-06-18. Review status: criteria provided, single submitter. Criteria: GeneDx Variant Classification (06012015). Collection method: clinical testing. Allele origin: germline. Affected: yes.
Comment: p.Ile1353Met (ATC>ATG): c.4059 C>G in exon 22 of the SCN2A gene (NM_021007.2). A I1353M variant that is likely pathogenic has been identified in the SCN2A gene. The I1353M variant has not been published as a mutation, nor has it been reported as a benign polymorphism to our knowledge. It was not observed in approximately 6,500 individuals of European and African American ancestry in the NHLBI Exome Sequencing Project, indicating it is not a common benign variant in these populations. The I1353M variant is a conservative amino acid substitution, which is not likely to impact secondary protein structure as these residues share similar properties. However, this substitution alters a conserved position in transmembrane segment S5 in the 3rd homologous domain, and in silico analysis predicts this variant is probably damaging to the protein structure/function. The variant is found in INFANT-EPI panel(s).

NM_001040142.2(SCN2A):c.4059C>G (p.Ile1353Met)

Gene: SCN2A (sodium voltage-gated channel alpha subunit 2; plus strand). Cytogenetic location: 2q24.3.
Variant type: single nucleotide variant.
Coding change: c.4059C>G on transcript NM_001040142.2 (MANE Select); coding-DNA position 4059, C replaced by G.
Protein change: p.Ile1353Met; replaces isoleucine 1353 with methionine.
Molecular consequence: missense variant.
Genome position (GRCh38, 1-based): chr2:165,374,771, C>G. VCF-style: chr2-165374771-C-G. GRCh37 (hg19) VCF-style: chr2-166231281-C-G.
Other names: p.I1353M:ATC>ATG; c.4059C>G, p.Ile1353Met (NM_001040143.2, NM_001371246.1, NM_001371247.1 and 1 more transcripts); short protein forms I1353M.
Identifiers: ClinVar variation 206998 (VCV000206998.2), dbSNP rs796053136, ClinGen allele CA317960.